The following is an entry in ClinVar:

ClinVar aggregate classification (germline): Uncertain significance (0 of 4 stars; one submission).

Conditions:
Fanconi anemia complementation group A (FANCA). Also called: Fanconi anemia, group A; FANCA-Related Fanconi Anemia. Identifiers: Orphanet 84, MedGen C3469521, MONDO:0009215, OMIM 227650.

Submission:

Leiden Open Variation Database
Classification: Uncertain significance for Fanconi anemia complementation group A. Last evaluated: 2020-02-28. Review status: no assertion criteria provided. Collection method: curation. Allele origin: germline. Affected: yes.
Comment: Curator: Arleen D. Auerbach. Submitter to LOVD: Arleen D. Auerbach.

NC_000016.10:g.(89752223_89758576)_(89783103_89784853)del

Gene: FANCA (FA complementation group A; minus strand). Cytogenetic location: 16q24.3.
Variant type: Deletion.
Identifiers: ClinVar variation 974228 (VCV000974228.1).